The following is an entry in ClinVar:

ClinVar aggregate classification (germline): Likely pathogenic (1 of 4 stars; one submission).

Conditions:
Glycine encephalopathy. Also called: Non-ketotic hyperglycinemia; Nonketotic hyperglycinemia. Identifiers: Orphanet 407, MedGen C0751748, MONDO:0011612, HP:0008288.

Submission:

Myriad Genetics, Inc.
Classification: Likely pathogenic for Glycine encephalopathy 1. Last evaluated: 2022-02-24. Review status: criteria provided, single submitter. Criteria: Myriad Women's Health Autosomal Recessive and X-Linked Classification Criteria (2021). Collection method: clinical testing. Allele origin: unknown.
Comment: NM_000170.2(GLDC):c.773_774ins7(D258Efs*40) is expected to be pathogenic in the context of glycine encephalopathy, GLDC-related. This variant is predicted to lead to an abnormal or absent protein product due to the creation of a premature termination codon in GLDC, a gene where loss-of-function variants are known to be pathogenic. Please note: this variant was assessed in the context of healthy population screening.

NM_000170.3(GLDC):c.773_774insGACAGTA (p.Asp258fs)

Gene: GLDC (glycine decarboxylase; minus strand). Cytogenetic location: 9p24.1.
Variant type: Insertion.
Coding change: c.773_774insGACAGTA on transcript NM_000170.3 (MANE Select); coding-DNA positions 773 to 774, GACAGTA inserted.
Protein change: p.Asp258fs; shifts the reading frame from aspartic acid 258.
Molecular consequence: frameshift variant.
Genome position: GRCh38 VCF-style: chr9-6605218-A-ATACTGTC. GRCh37 (hg19) VCF-style: chr9-6605218-A-ATACTGTC.
Other names: short protein forms D258fs.
Identifiers: ClinVar variation 1724655 (VCV001724655.2), dbSNP rs2489104302, ClinGen allele CA2580080283.